The following is an entry in ClinVar:

NM_015346.4(ZFYVE26):c.5222-1G>A

Gene: ZFYVE26 (zinc finger FYVE-type containing 26; minus strand). Cytogenetic location: 14q24.1.
Variant type: single nucleotide variant.
Coding change: c.5222-1G>A on transcript NM_015346.4 (MANE Select); the canonical splice acceptor site of the intron before coding-DNA position 5222, G replaced by A.
Molecular consequence: splice acceptor variant.
Genome position (GRCh38, 1-based): chr14:67,775,115, C>T on the plus strand (G>A on the coding strand, the complement: ZFYVE26 is on the minus strand). VCF-style: chr14-67775115-C-T. GRCh37 (hg19) VCF-style: chr14-68241832-C-T.
Identifiers: ClinVar variation 1500295 (VCV001500295.8), dbSNP rs2039307447, ClinGen allele CA390168037.

ClinVar aggregate classification (germline): Likely pathogenic (1 of 4 stars; one submission).

Conditions:
Spastic paraplegia. Identifiers: MedGen C0037772, HP:0001258.

Allele frequency attached by ClinVar (database versions not stated): gnomAD exomes below 0.00001.
gnomAD v4.1: 2 of 1,602,840 alleles (0.00012%); highest among the groups gnomAD compares: East Asian, 0.0045%; no homozygotes.

Submission:

Labcorp Genetics (formerly Invitae), Labcorp
Classification: Likely pathogenic for Spastic paraplegia. Last evaluated: 2020-12-06. Review status: criteria provided, single submitter. Criteria: Invitae Variant Classification Sherloc (09022015). Collection method: clinical testing. Allele origin: germline.
Comment: This variant is not present in population databases (ExAC no frequency). This sequence change affects an acceptor splice site in intron 26 of the ZFYVE26 gene. It is expected to disrupt RNA splicing. Variants that disrupt the donor or acceptor splice site typically lead to a loss of protein function (PMID: 16199547), and loss-of-function variants in ZFYVE26 are known to be pathogenic (PMID: 18394578, 19805727). This variant has not been reported in the literature in individuals with ZFYVE26-related conditions. In summary, the currently available evidence indicates that the variant is pathogenic, but additional data are needed to prove that conclusively. Therefore, this variant has been classified as Likely Pathogenic. Algorithms developed to predict the effect of sequence changes on RNA splicing suggest that this variant may disrupt the consensus splice site, but this prediction has not been confirmed by published transcriptional studies.

Literature cited by the submitters: PubMed 16199547; PubMed 18394578; PubMed 19805727.